The following is an entry in ClinVar:

ClinVar aggregate classification (germline): Pathogenic/Likely pathogenic. Review status: criteria provided, multiple submitters, no conflicts (2 of 4 stars). 3 submissions from 3 submitters: Pathogenic (2); Likely pathogenic (1). Last evaluated 2024-07-31.

Conditions:
Autosomal recessive limb-girdle muscular dystrophy type 2F (LGMDR6). Also called: Muscular dystrophy limb-girdle with delta-sarcoglyan deficiency; MUSCULAR DYSTROPHY, LIMB-GIRDLE, AUTOSOMAL RECESSIVE 6. Identifiers: Orphanet 219, MedGen C1832525, MONDO:0011028, OMIM 601287. Disease mechanism: Affects gamma-sarcoglycan and also disrupts the integrity of the entire sarcoglycan complex..
Dilated cardiomyopathy 1L (CMD1L). Identifiers: Orphanet 154, MedGen C1847667, MONDO:0011702, OMIM 606685.

Submissions (3):

Myriad Genetics, Inc.
Classification: Pathogenic for Autosomal recessive limb-girdle muscular dystrophy type 2F. Last evaluated: 2024-07-31. Review status: criteria provided, single submitter. Criteria: Myriad Autosomal Dominant, Autosomal Recessive and X-Linked Classification Criteria (2023). Collection method: clinical testing. Allele origin: unknown.
Comment: NM_000337.5(SGCD):c.441dupA(L148Ifs*8) is expected to be pathogenic in the context of delta-sarcoglycanopathy. This variant is predicted to lead to an abnormal or absent protein product due to the creation of a premature termination codon in SGCD, a gene where loss-of-function variants are known to be pathogenic. Please note: this variant was assessed in the context of healthy population screening.

Labcorp Genetics (formerly Invitae), Labcorp
Classification: Pathogenic for Autosomal recessive limb-girdle muscular dystrophy type 2F. Last evaluated: 2024-06-10. Review status: criteria provided, single submitter. Criteria: Invitae Variant Classification Sherloc (09022015). Collection method: clinical testing. Allele origin: germline.
Comment: This sequence change creates a premature translational stop signal (p.Leu148Ilefs*8) in the SGCD gene. It is expected to result in an absent or disrupted protein product. Loss-of-function variants in SGCD are known to be pathogenic (PMID: 8841194, 10735275, 10838250). This variant is not present in population databases (gnomAD no frequency). This variant has not been reported in the literature in individuals affected with SGCD-related conditions. For these reasons, this variant has been classified as Pathogenic.

Baylor Genetics
Classification: Likely pathogenic for Dilated cardiomyopathy 1L. Last evaluated: 2022-09-13. Review status: criteria provided, single submitter. Criteria: ACMG Guidelines, 2015. Collection method: clinical testing. Allele origin: unknown.

Literature cited by the submitters: PubMed 8841194 (cited by Labcorp Genetics (formerly Invitae), Labcorp); PubMed 10735275 (cited by Labcorp Genetics (formerly Invitae), Labcorp); PubMed 10838250 (cited by Labcorp Genetics (formerly Invitae), Labcorp).

NM_000337.6(SGCD):c.441dup (p.Leu148fs)

Gene: SGCD (sarcoglycan delta; plus strand). Cytogenetic location: 5q33.3.
Variant type: Duplication.
Coding change: c.441dup on transcript NM_000337.6 (MANE Select); coding-DNA position 441, one base duplicated (A; older notation c.441dupA).
Protein change: p.Leu148fs; shifts the reading frame from leucine 148.
Molecular consequence: frameshift variant.
Genome position (GRCh38, 1-based): chr5:156,594,990, A duplicated; the last of 4 consecutive A bases (chr5:156,594,987-156,594,990); duplicating any one gives the same sequence. VCF-style (leftmost placement, unchanged base first): chr5-156594986-G-GA. GRCh37 (hg19) VCF-style: chr5-156021996-G-GA.
Other names: c.438dup, p.Leu147fs (NM_001128209.2); c.441dup, p.Leu148fs (NM_172244.3); short protein forms L147fs, L148fs.
Identifiers: ClinVar variation 2678700 (VCV002678700.4), dbSNP rs1760870278, ClinGen allele CA1593779138.